The following is an entry in ClinVar:

ClinVar aggregate classification (germline): Uncertain significance (1 of 4 stars; one submission).

Conditions:
Agammaglobulinemia 3, autosomal recessive (AGM3). Also called: AGAMMAGLOBULINEMIA 3; AGAMMAGLOBULINEMIA, AUTOSOMAL RECESSIVE, DUE TO CD79A DEFECT. Identifiers: MedGen C3150751, MONDO:0013288, OMIM 613501.

Allele frequency attached by ClinVar (database versions not stated): gnomAD exomes below 0.00001.
gnomAD v4.1: 1 of 1,611,288 alleles (0.000062%); highest among the groups gnomAD compares: Non-Finnish European, 0.000085%; no homozygotes.

Submission:

Labcorp Genetics (formerly Invitae), Labcorp
Classification: Uncertain significance for Agammaglobulinemia 3, autosomal recessive. Last evaluated: 2021-12-18. Review status: criteria provided, single submitter. Criteria: Invitae Variant Classification Sherloc (09022015). Collection method: clinical testing. Allele origin: germline.
Comment: In summary, the available evidence is currently insufficient to determine the role of this variant in disease. Therefore, it has been classified as a Variant of Uncertain Significance. Variants that disrupt the consensus splice site are a relatively common cause of aberrant splicing (PMID: 17576681, 9536098). Algorithms developed to predict the effect of sequence changes on RNA splicing suggest that this variant is not likely to affect RNA splicing. This variant has not been reported in the literature in individuals affected with CD79A-related conditions. This variant is not present in population databases (gnomAD no frequency). This sequence change falls in intron 2 of the CD79A gene. It does not directly change the encoded amino acid sequence of the CD79A protein. It affects a nucleotide within the consensus splice site.

Literature cited by the submitters: PubMed 17576681; PubMed 9536098.

NM_001783.4(CD79A):c.379+3G>A

Genes: CD79A (CD79a molecule; plus strand), RPS19-CD79A (RPS19-CD79A readthrough; plus strand). Cytogenetic location: 19q13.2.
Variant type: single nucleotide variant.
Coding change: c.379+3G>A on transcript NM_001783.4 (MANE Select); 3 bases into the intron after coding-DNA position 379, G replaced by A.
Molecular consequence: intron variant.
Genome position (GRCh38, 1-based): chr19:41,879,292, G>A. VCF-style: chr19-41879292-G-A. GRCh37 (hg19) VCF-style: chr19-42383362-G-A.
Other names: c.265+117G>A (NM_021601.4).
Identifiers: ClinVar variation 1963765 (VCV001963765.5), dbSNP rs2513699525, ClinGen allele CA406034734.